The following is an entry in ClinVar:

ClinVar aggregate classification (germline): Benign. Review status: criteria provided, multiple submitters, no conflicts (2 of 4 stars). 3 submissions from 3 submitters: Benign (2). 1 of the submissions does not count toward it. Last evaluated 2026-02-01.

Allele frequency attached by ClinVar (database versions not stated): gnomAD exomes 0.00109 and 0.00315; ExAC 0.00391; ESP Exome Variant Server 0.01184; gnomAD 0.01228 and 0.01319; TOPMed 0.01363; 1000 Genomes Project 30x 0.01421; 1000 Genomes Project 0.01458.
gnomAD v4.1: 3,555 of 1,613,874 alleles (0.22%); highest among the groups gnomAD compares: African/African-American, 4.1%; 62 homozygotes.

Submissions (3):

Labcorp Genetics (formerly Invitae), Labcorp
Classification: Benign. Last evaluated: 2026-02-01. Review status: criteria provided, single submitter. Criteria: Invitae Variant Classification Sherloc (09022015). Collection method: clinical testing. Allele origin: germline.

Breakthrough Genomics
Classification: Benign. Review status: criteria provided, single submitter. Criteria: ACMG Guidelines, 2015. Collection method: not provided. Allele origin: germline. Inheritance: Autosomal recessive inheritance. Affected: yes.

Genetic Services Laboratory, University of Chicago
Classification: Likely benign for AllHighlyPenetrant. Review status: no assertion criteria provided. Collection method: clinical testing. Allele origin: germline. Inheritance: Autosomal recessive inheritance. Not counted in ClinVar's aggregate classification.
Comment: Likely benign based on allele frequency in 1000 Genomes Project or ESP global frequency and its presence in a patient with a rare or unrelated disease phenotype. NOT Sanger confirmed.

NM_020921.4(NIN):c.5075G>A (p.Cys1692Tyr)

Genes: NIN (ninein; minus strand), LOC126861936 (BRD4-independent group 4 enhancer GRCh37_chr14:51210620-51211819; plus strand). Cytogenetic location: 14q22.1.
Variant type: single nucleotide variant.
Coding change: c.5075G>A on transcript NM_020921.4 (MANE Select); coding-DNA position 5075, G replaced by A.
Protein change: p.Cys1692Tyr; replaces cysteine 1692 with tyrosine.
Molecular consequence: missense variant.
Genome position (GRCh38, 1-based): chr14:50,744,355, C>T on the plus strand (G>A on the coding strand, the complement: NIN is on the minus strand). VCF-style: chr14-50744355-C-T. GRCh37 (hg19) VCF-style: chr14-51211073-C-T.
Other names: c.2936G>A, p.Cys979Tyr (NM_016350.5); c.5075G>A, p.Cys1692Tyr (NM_182944.3, NM_182946.2); short protein forms C1692Y, C979Y.
Identifiers: ClinVar variation 129794 (VCV000129794.17), dbSNP rs75544578, ClinGen allele CA154103.